The following is an entry in ClinVar:

NM_002907.4(RECQL):c.535A>C (p.Asn179His)

Gene: RECQL (RecQ like helicase; minus strand). Cytogenetic location: 12p12.1.
Variant type: single nucleotide variant.
Coding change: c.535A>C on transcript NM_002907.4 (MANE Select); coding-DNA position 535, A replaced by C.
Protein change: p.Asn179His; replaces asparagine 179 with histidine.
Molecular consequence: missense variant.
Genome position (GRCh38, 1-based): chr12:21,483,541, T>G on the plus strand (A>C on the coding strand, the complement: RECQL is on the minus strand). VCF-style: chr12-21483541-T-G. GRCh37 (hg19) VCF-style: chr12-21636475-T-G.
Other names: c.535A>C, p.Asn179His (NM_032941.3); short protein forms N179H.
Identifiers: ClinVar variation 5028047 (VCV005028047.1).

ClinVar aggregate classification (germline): Uncertain significance (1 of 4 stars; one submission).

gnomAD v4.1: 1 of 1,579,720 alleles (0.000063%); highest among the groups gnomAD compares: Non-Finnish European, 0.000085%; no homozygotes.

Submission:

Ambry Genetics
Classification: Uncertain significance. Last evaluated: 2026-07-26. Review status: criteria provided, single submitter. Criteria: Ambry Variant Classification Scheme 2023. Collection method: clinical testing. Allele origin: germline.
Comment: The p.N179H variant (also known as c.535A>C), located in coding exon 5 of the RECQL gene, results from an A to C substitution at nucleotide position 535. The asparagine at codon 179 is replaced by histidine, an amino acid with similar properties. This amino acid position is conserved. In addition, this alteration is predicted to be tolerated by in silico analysis. Based on the available evidence, the clinical significance of this variant remains unclear.